The following is an entry in ClinVar:

ClinVar aggregate classification (germline): Pathogenic (1 of 4 stars; one submission).

Submission:

GeneDx
Classification: Pathogenic. Last evaluated: 2024-08-30. Review status: criteria provided, single submitter. Criteria: GeneDx Variant Classification Process June 2021. Collection method: clinical testing. Allele origin: germline. Affected: yes.
Comment: Frameshift variant predicted to result in protein truncation or nonsense mediated decay in a gene for which loss of function is a known mechanism of disease; Not observed at significant frequency in large population cohorts (gnomAD); Also known as c.6961_6962insC; This variant is associated with the following publications: (PMID: 19142971)

NM_001042492.3(NF1):c.7024dup (p.Leu2342fs)

Gene: NF1 (neurofibromin 1; plus strand). Cytogenetic location: 17q11.2.
Variant type: Duplication.
Coding change: c.7024dup on transcript NM_001042492.3 (MANE Select); coding-DNA position 7024, one base duplicated (C; older notation c.7024dupC).
Protein change: p.Leu2342fs; shifts the reading frame from leucine 2342.
Molecular consequence: frameshift variant.
Genome position (GRCh38, 1-based): chr17:31,340,607, C duplicated; the last of 2 consecutive C bases (chr17:31,340,606-31,340,607); duplicating either gives the same sequence. VCF-style (leftmost placement, unchanged base first): chr17-31340605-A-AC. GRCh37 (hg19) VCF-style: chr17-29667623-A-AC.
Other names: c.6961dup, p.Leu2321Profs (NM_000267.4); short protein forms L2321fs, L2342fs.
Identifiers: ClinVar variation 3766053 (VCV003766053.1).